The following is an entry in ClinVar:

NM_024334.3(TMEM43):c.1138G>A (p.Ala380Thr)

Gene: TMEM43 (transmembrane protein 43; plus strand). Cytogenetic location: 3p25.1.
Variant type: single nucleotide variant.
Coding change: c.1138G>A on transcript NM_024334.3 (MANE Select); coding-DNA position 1138, G replaced by A.
Protein change: p.Ala380Thr; replaces alanine 380 with threonine.
Molecular consequence: missense variant.
Genome position (GRCh38, 1-based): chr3:14,141,730, G>A. VCF-style: chr3-14141730-G-A. GRCh37 (hg19) VCF-style: chr3-14183230-G-A.
Other names: c.1141G>A, p.Ala381Thr (NM_001407274.1); c.1135G>A, p.Ala379Thr (NM_001407275.1, NM_001407276.1); c.1132G>A, p.Ala378Thr (NM_001407277.1); c.1123G>A, p.Ala375Thr (NM_001407278.1); c.1063G>A, p.Ala355Thr (NM_001407279.1); c.988G>A, p.Ala330Thr (NM_001407280.1); short protein forms A330T, A355T, A375T, A378T, A379T, A380T, A381T.
Identifiers: ClinVar variation 3386092 (VCV003386092.1).
Genomic context (GRCh38, chr3:14,141,730, plus strand): 5'-ACCCTGCTGACCGTGGCGGCTGGCTGGCTCTTCTACCGACCCCTGTGGGCCCTCCTCATT[G>A]CCGGCCTGGCCCTTGTGCCCATCCTTGTTGCTCGGACACGGGTGCCAGCCAAAAAGTTGG-3'
Protein context (NP_077310.1, residues 370-390): FYRPLWALLI[Ala380Thr]GLALVPILVA

ClinVar aggregate classification (germline): Uncertain significance (1 of 4 stars; one submission).

Conditions:
Arrhythmogenic right ventricular dysplasia 5. Also called: Arrhythmogenic Right Ventricular Dysplasia/Cardiomyopathy 5; ARRHYTHMOGENIC RIGHT VENTRICULAR DYSPLASIA, FAMILIAL, 5. Identifiers: MedGen C1858379, MONDO:0011459, OMIM 604400.

Submission:

All of Us Research Program, National Institutes of Health
Classification: Uncertain significance for Arrhythmogenic right ventricular dysplasia 5. Last evaluated: 2024-07-29. Review status: criteria provided, single submitter. Criteria: ACMG Guidelines, 2015. Collection method: clinical testing. Allele origin: germline. Inheritance: Autosomal dominant inheritance. Observed: 1 variant allele, 1 heterozygote.
Comment: This missense variant replaces alanine with threonine at codon 380 of the TMEM43 protein. Computational prediction suggests that this variant may not impact protein structure and function (internally defined REVEL score threshold <= 0.5, PMID: 27666373). To our knowledge, functional studies have not been reported for this variant. This variant has not been reported in individuals affected with TMEM43-related disorders in the literature. This variant has not been identified in the general population by the Genome Aggregation Database (gnomAD). The available evidence is insufficient to determine the role of this variant in disease conclusively. Therefore, this variant is classified as a Variant of Uncertain Significance.

This study involves interpretation of variants in research participants for the purpose of population health screening. Participant phenotype was not available at the time of variant classification. Additional details can be found in publication PMID: 35346344, PMCID: PMC8962531